The following is an entry in ClinVar:

ClinVar aggregate classification (germline): Uncertain significance (1 of 4 stars; one submission).

Allele frequency attached by ClinVar (database versions not stated): gnomAD exomes below 0.00001 and 0.00001; gnomAD 0.00001; TOPMed 0.00002.

Submission:

Labcorp Genetics (formerly Invitae), Labcorp
Classification: Uncertain significance. Last evaluated: 2022-07-12. Review status: criteria provided, single submitter. Criteria: Invitae Variant Classification Sherloc (09022015). Collection method: clinical testing. Allele origin: germline.
Comment: This variant is present in population databases (no rsID available, gnomAD 0.0008%). In summary, the available evidence is currently insufficient to determine the role of this variant in disease. Therefore, it has been classified as a Variant of Uncertain Significance. Algorithms developed to predict the effect of missense changes on protein structure and function output the following: SIFT: "Tolerated"; PolyPhen-2: "Benign"; Align-GVGD: "Class C0". The valine amino acid residue is found in multiple mammalian species, which suggests that this missense change does not adversely affect protein function. ClinVar contains an entry for this variant (Variation ID: 1020486). This variant has not been reported in the literature in individuals affected with KIAA1549-related conditions. This sequence change replaces methionine, which is neutral and non-polar, with valine, which is neutral and non-polar, at codon 77 of the KIAA1549 protein (p.Met77Val).

NM_001164665.2(KIAA1549):c.229A>G (p.Met77Val)

Gene: KIAA1549 (KIAA1549; minus strand). Cytogenetic location: 7q34.
Variant type: single nucleotide variant.
Coding change: c.229A>G on transcript NM_001164665.2 (MANE Select); coding-DNA position 229, A replaced by G.
Protein change: p.Met77Val; replaces methionine 77 with valine.
Molecular consequence: missense variant.
Genome position (GRCh38, 1-based): chr7:138,919,397, T>C on the plus strand (A>G on the coding strand, the complement: KIAA1549 is on the minus strand). VCF-style: chr7-138919397-T-C. GRCh37 (hg19) VCF-style: chr7-138604143-T-C.
Other names: c.229A>G, p.Met77Val (NM_020910.3); short protein forms M77V.
Identifiers: ClinVar variation 1020486 (VCV001020486.4), dbSNP rs1215112744, ClinGen allele CA369403506.